The following is an entry in ClinVar:

ClinVar aggregate classification (germline): Likely benign. Review status: criteria provided, multiple submitters, no conflicts (2 of 4 stars). 3 submissions from 3 submitters: Likely benign (3). Last evaluated 2026-06-15.

Conditions:
CABP2-related disorder. Also called: CABP2-related condition.

Allele frequency attached by ClinVar (database versions not stated): gnomAD exomes 0.00005 and 0.00015; ExAC 0.00021; 1000 Genomes Project 0.00060; gnomAD 0.00061; 1000 Genomes Project 30x 0.00062; TOPMed 0.00068; ESP Exome Variant Server 0.00108.
gnomAD v4.1: 166 of 1,609,714 alleles (0.01%); highest among the groups gnomAD compares: African/African-American, 0.19%; 1 homozygote.

Submissions (3):

PreventionGenetics, part of Exact Sciences
Classification: Likely benign for CABP2-related condition. Last evaluated: 2026-06-15. Review status: criteria provided, single submitter. Criteria: ACMG Guidelines, 2015. Collection method: clinical testing. Allele origin: germline.
Comment: This variant is classified as likely benign based on ACMG/AMP sequence variant interpretation guidelines (Richards et al. 2015 PMID: 25741868, with internal and published modifications).

Labcorp Genetics (formerly Invitae), Labcorp
Classification: Likely benign. Last evaluated: 2025-10-02. Review status: criteria provided, single submitter. Criteria: Invitae Variant Classification Sherloc (09022015). Collection method: clinical testing. Allele origin: germline.

GeneDx
Classification: Likely benign. Last evaluated: 2019-02-01. Review status: criteria provided, single submitter. Criteria: GeneDx Variant Classification Process June 2021. Collection method: clinical testing. Allele origin: germline. Affected: yes.

NM_016366.3(CABP2):c.510C>T (p.Gly170=)

Gene: CABP2 (calcium binding protein 2; minus strand). Cytogenetic location: 11q13.2.
Variant type: single nucleotide variant.
Coding change: c.510C>T on transcript NM_016366.3 (MANE Select); coding-DNA position 510, C replaced by T.
Protein change: p.Gly170=; no amino-acid change (glycine 170 retained).
Molecular consequence: synonymous variant.
Genome position (GRCh38, 1-based): chr11:67,519,920, G>A on the plus strand (C>T on the coding strand, the complement: CABP2 is on the minus strand). VCF-style: chr11-67519920-G-A. GRCh37 (hg19) VCF-style: chr11-67287391-G-A.
Other names: c.528C>T, p.Gly176= (NM_001318496.2).
Identifiers: ClinVar variation 713351 (VCV000713351.12), dbSNP rs114668091, ClinGen allele CA6142402.
Genomic context (GRCh38, chr11:67,519,920, plus strand): 5'-GCTGAGGCGCTCCCCCAGCAGGGCCTTGAGGGCCGCCCGGAGCTCGCCCACGCTGATGCG[G>A]CCGTCCCCATTGGTGTCGAACTGTGGCGGCGTTGGTTGTGGCGTCTGGTCACTGACAGTC-3'
Protein context (NP_057450.2, residues 160-180): AFREFDTNGD[Gly170=]RISVGELRAA